The following is an entry in ClinVar:

ClinVar aggregate classification (germline): Benign. Review status: criteria provided, multiple submitters, no conflicts (2 of 4 stars). 3 submissions from 3 submitters: Benign (2). 1 of the submissions does not count toward it. Last evaluated 2020-02-03.

Conditions:
CEMIP-related disorder. Also called: CEMIP-related condition.

Allele frequency attached by ClinVar (database versions not stated): 1000 Genomes Project 30x 0.01889; 1000 Genomes Project 0.01897; gnomAD exomes 0.01952; ExAC 0.01989; gnomAD 0.02361 and 0.02488; TOPMed 0.02375; ESP Exome Variant Server 0.02391.
gnomAD v4.1: 35,098 of 1,614,100 alleles (2.2%); highest among the groups gnomAD compares: Middle Eastern, 4.1%; 418 homozygotes.

Submissions (3):

Athena Diagnostics
Classification: Benign. Last evaluated: 2020-02-03. Review status: criteria provided, single submitter. Criteria: Athena Diagnostics Criteria. Collection method: clinical testing. Allele origin: unknown.

Breakthrough Genomics
Classification: Benign. Review status: criteria provided, single submitter. Criteria: ACMG Guidelines, 2015. Collection method: not provided. Allele origin: germline. Inheritance: Unknown mechanism. Affected: yes.

PreventionGenetics, part of Exact Sciences
Classification: Benign for CEMIP-related condition. Last evaluated: 2019-12-16. Review status: no assertion criteria provided. Collection method: clinical testing. Allele origin: germline. Not counted in ClinVar's aggregate classification.
Comment: This variant is classified as benign based on ACMG/AMP sequence variant interpretation guidelines (Richards et al. 2015 PMID: 25741868, with internal and published modifications).

NM_001293298.2(CEMIP):c.2589C>T (p.Ser863=)

Genes: CEMIP (cell migration inducing hyaluronidase 1; plus strand), LOC126862194 (BRD4-independent group 4 enhancer GRCh37_chr15:81221049-81222248; plus strand). Cytogenetic location: 15q25.1.
Variant type: single nucleotide variant.
Coding change: c.2589C>T on transcript NM_001293298.2 (MANE Select); coding-DNA position 2589, C replaced by T.
Protein change: p.Ser863=; no amino-acid change (serine 863 retained).
Molecular consequence: synonymous variant.
Genome position (GRCh38, 1-based): chr15:80,929,151, C>T. VCF-style: chr15-80929151-C-T. GRCh37 (hg19) VCF-style: chr15-81221492-C-T.
Other names: c.2589C>T, p.Ser863= (NM_001293304.2, NM_018689.3).
Identifiers: ClinVar variation 585661 (VCV000585661.5), dbSNP rs35092028, ClinGen allele CA7693343.